The following is an entry in ClinVar:

ClinVar aggregate classification (germline): Uncertain significance (1 of 4 stars; one submission).

Submission:

Labcorp Genetics (formerly Invitae), Labcorp
Classification: Uncertain significance. Last evaluated: 2021-02-13. Review status: criteria provided, single submitter. Criteria: Invitae Variant Classification Sherloc (09022015). Collection method: clinical testing. Allele origin: germline.
Comment: This variant is not present in population databases (ExAC no frequency). This sequence change replaces phenylalanine with tyrosine at codon 732 of the HTT protein (p.Phe732Tyr). The phenylalanine residue is moderately conserved and there is a small physicochemical difference between phenylalanine and tyrosine. In summary, the available evidence is currently insufficient to determine the role of this variant in disease. Therefore, it has been classified as a Variant of Uncertain Significance. Experimental studies and prediction algorithms are not available or were not evaluated, and the functional significance of this variant is currently unknown. This variant has not been reported in the literature in individuals with HTT-related conditions.

NM_001388492.1(HTT):c.2189T>A (p.Phe730Tyr)

Gene: HTT (huntingtin; plus strand). Cytogenetic location: 4p16.3.
Variant type: single nucleotide variant.
Coding change: c.2189T>A on transcript NM_001388492.1 (MANE Select); coding-DNA position 2189, T replaced by A.
Protein change: p.Phe730Tyr; replaces phenylalanine 730 with tyrosine.
Molecular consequence: missense variant.
Genome position (GRCh38, 1-based): chr4:3,131,728, T>A. VCF-style: chr4-3131728-T-A. GRCh37 (hg19) VCF-style: chr4-3133455-T-A.
Other names: c.2195T>A, p.Phe732Tyr (NM_002111.8); short protein forms F730Y, F732Y.
Identifiers: ClinVar variation 1371692 (VCV001371692.6), dbSNP rs2110188959, ClinGen allele CA356083106.